The following is an entry in ClinVar:

NM_004560.4(ROR2):c.913A>T (p.Ile305Phe)

Gene: ROR2 (receptor tyrosine kinase like orphan receptor 2; minus strand). Cytogenetic location: 9q22.31.
Variant type: single nucleotide variant.
Coding change: c.913A>T on transcript NM_004560.4 (MANE Select); coding-DNA position 913, A replaced by T.
Protein change: p.Ile305Phe; replaces isoleucine 305 with phenylalanine.
Molecular consequence: missense variant.
Genome position (GRCh38, 1-based): chr9:91,733,146, T>A on the plus strand (A>T on the coding strand, the complement: ROR2 is on the minus strand). VCF-style: chr9-91733146-T-A. GRCh37 (hg19) VCF-style: chr9-94495428-T-A.
Other names: c.913A>T, p.Ile305Phe (NM_001318204.2); short protein forms I305F.
Identifiers: ClinVar variation 3654449 (VCV003654449.2).

ClinVar aggregate classification (germline): Uncertain significance (1 of 4 stars; one submission).

Submission:

Labcorp Genetics (formerly Invitae), Labcorp
Classification: Uncertain significance. Last evaluated: 2024-06-17. Review status: criteria provided, single submitter. Criteria: Invitae Variant Classification Sherloc (09022015). Collection method: clinical testing. Allele origin: germline.
Comment: This sequence change replaces isoleucine, which is neutral and non-polar, with phenylalanine, which is neutral and non-polar, at codon 305 of the ROR2 protein (p.Ile305Phe). This variant is not present in population databases (gnomAD no frequency). This variant has not been reported in the literature in individuals affected with ROR2-related conditions. Advanced modeling of protein sequence and biophysical properties (such as structural, functional, and spatial information, amino acid conservation, physicochemical variation, residue mobility, and thermodynamic stability) performed at Invitae indicates that this missense variant is not expected to disrupt ROR2 protein function with a negative predictive value of 80%. In summary, the available evidence is currently insufficient to determine the role of this variant in disease. Therefore, it has been classified as a Variant of Uncertain Significance.